The following is an entry in ClinVar:

ClinVar aggregate classification (germline): Likely benign (1 of 4 stars; one submission).

Conditions:
TBC1D4-related disorder. Also called: TBC1D4-related condition.

gnomAD v4.1: 61 of 1,592,386 alleles (0.0038%); highest among the groups gnomAD compares: Non-Finnish European, 0.0051%; no homozygotes.

Submission:

PreventionGenetics, part of Exact Sciences
Classification: Likely benign for TBC1D4-related condition. Last evaluated: 2025-08-17. Review status: criteria provided, single submitter. Criteria: ACMG Guidelines, 2015. Collection method: clinical testing. Allele origin: germline.
Comment: This variant is classified as likely benign based on ACMG/AMP sequence variant interpretation guidelines (Richards et al. 2015 PMID: 25741868, with internal and published modifications).

NM_014832.5(TBC1D4):c.1171-8C>T

Gene: TBC1D4 (TBC1 domain family member 4; minus strand). Cytogenetic location: 13q22.2.
Variant type: single nucleotide variant.
Coding change: c.1171-8C>T on transcript NM_014832.5 (MANE Select); 8 bases into the intron before coding-DNA position 1171, C replaced by T.
Molecular consequence: intron variant.
Genome position (GRCh38, 1-based): chr13:75,356,259, G>A on the plus strand (C>T on the coding strand, the complement: TBC1D4 is on the minus strand). VCF-style: chr13-75356259-G-A. GRCh37 (hg19) VCF-style: chr13-75930395-G-A.
Other names: c.1171-8C>T (NM_001286659.2, NM_001286658.2).
Identifiers: ClinVar variation 4979210 (VCV004979210.1).